The following is an entry in ClinVar:

NM_001349884.2(DRAM2):c.694-5T>A

Gene: DRAM2 (DNA damage regulated autophagy modulator 2; minus strand). Cytogenetic location: 1p13.3.
Variant type: single nucleotide variant.
Coding change: c.694-5T>A on transcript NM_001349884.2 (MANE Select); 5 bases into the intron before coding-DNA position 694, T replaced by A.
Molecular consequence: intron variant.
Genome position (GRCh38, 1-based): chr1:111,118,272, A>T on the plus strand (T>A on the coding strand, the complement: DRAM2 is on the minus strand). VCF-style: chr1-111118272-A-T. GRCh37 (hg19) VCF-style: chr1-111660894-A-T.
Other names: c.694-5T>A (NM_001349885.2, NM_178454.6, NM_001349882.2 and 1 more transcripts); c.304-5T>A (NM_001349889.2, NM_001349890.2, NM_001349891.2 and 2 more transcripts); c.424-5T>A (NM_001349887.2, NM_001349886.2, NM_001349888.2).
Identifiers: ClinVar variation 3052494 (VCV003052494.2), dbSNP rs1279240537, ClinGen allele CA2647074294.

ClinVar aggregate classification (germline): Likely benign (0 of 4 stars; one submission).

Conditions:
DRAM2-related disorder. Also called: DRAM2-related condition.

Submission:

PreventionGenetics, part of Exact Sciences
Classification: Likely benign for DRAM2-related condition. Last evaluated: 2020-03-17. Review status: no assertion criteria provided. Collection method: clinical testing. Allele origin: germline.
Comment: This variant is classified as likely benign based on ACMG/AMP sequence variant interpretation guidelines (Richards et al. 2015 PMID: 25741868, with internal and published modifications).